The following is an entry in ClinVar:

NM_000080.4(CHRNE):c.698C>G (p.Ser233Trp)

Genes: C17orf107 (chromosome 17 open reading frame 107; plus strand), CHRNE (cholinergic receptor nicotinic epsilon subunit; minus strand). Cytogenetic location: 17p13.2.
Variant type: single nucleotide variant.
Coding change: c.698C>G on transcript NM_000080.4 (MANE Select); coding-DNA position 698, C replaced by G.
Protein change: p.Ser233Trp; replaces serine 233 with tryptophan.
Molecular consequence: missense variant. On other transcripts: 3 prime UTR variant (1).
Genome position (GRCh38, 1-based): chr17:4,901,094, G>C on the plus strand (C>G on the coding strand, the complement: CHRNE is on the minus strand). VCF-style: chr17-4901094-G-C. GRCh37 (hg19) VCF-style: chr17-4804389-G-C.
Other names: c.*561G>C (NM_001145536.2); short protein forms S233W.
Identifiers: ClinVar variation 4707948 (VCV004707948.1).
Genomic context (GRCh38, chr17:4,901,094, plus strand): 5'-AGCACACAGGGCACGATGATGTTAATGACGTAGAAGAGCGGCTTCCGGCGGATGATGAGC[G>C]AGTAGATGACGTCAGTCTCCCCTGGGCCGTCGGTGGCGCCACCGTGGTGGCGGCGGATCA-3'
Protein context (NP_000071.1, residues 223-243): DGPGETDVIY[Ser233Trp]LIIRRKPLFY

ClinVar aggregate classification (germline): Uncertain significance (1 of 4 stars; one submission).

Conditions:
Congenital myasthenic syndrome 4A. Also called: Myasthenic syndrome, congenital, 4a, slow-channel; MYASTHENIC SYNDROME, CONGENITAL, 4A, SLOW-CHANNEL, AUTOSOMAL RECESSIVE; CONGENITAL MYASTHENIC SYNDROME TYPE Ia1. Identifiers: Orphanet 590, MedGen C4225413, MONDO:0011600, OMIM 605809.

Submission:

Labcorp Genetics (formerly Invitae), Labcorp
Classification: Uncertain significance for Congenital myasthenic syndrome 4A. Last evaluated: 2025-11-21. Review status: criteria provided, single submitter. Criteria: Invitae Variant Classification Sherloc (09022015). Collection method: clinical testing. Allele origin: germline.
Comment: This sequence change replaces serine, which is neutral and polar, with tryptophan, which is neutral and slightly polar, at codon 233 of the CHRNE protein (p.Ser233Trp). This variant is not present in population databases (gnomAD no frequency). This variant has not been reported in the literature in individuals affected with CHRNE-related conditions. Invitae Evidence Modeling of protein sequence and biophysical properties (such as structural, functional, and spatial information, amino acid conservation, physicochemical variation, residue mobility, and thermodynamic stability) indicates that this missense variant is not expected to disrupt CHRNE protein function with a negative predictive value of 80%. In summary, the available evidence is currently insufficient to determine the role of this variant in disease. Therefore, it has been classified as a Variant of Uncertain Significance.